The following is an entry in ClinVar:

NM_001035.3(RYR2):c.774-2A>C

Gene: RYR2 (ryanodine receptor 2; plus strand). Cytogenetic location: 1q43.
Variant type: single nucleotide variant.
Coding change: c.774-2A>C on transcript NM_001035.3 (MANE Select); the canonical splice acceptor site of the intron before coding-DNA position 774, A replaced by C.
Molecular consequence: splice acceptor variant.
Genome position (GRCh38, 1-based): chr1:237,417,047, A>C. VCF-style: chr1-237417047-A-C. GRCh37 (hg19) VCF-style: chr1-237580347-A-C.
Identifiers: ClinVar variation 2505882 (VCV002505882.1), dbSNP rs2528015312, ClinGen allele CA345383532.

ClinVar aggregate classification (germline): Uncertain significance (1 of 4 stars; one submission).

Submission:

GeneDx
Classification: Uncertain significance. Last evaluated: 2022-12-19. Review status: criteria provided, single submitter. Criteria: GeneDx Variant Classification Process June 2021. Collection method: clinical testing. Allele origin: germline. Affected: yes.
Comment: Not observed at significant frequency in large population cohorts (gnomAD); Canonical splice site variant with an unclear effect on protein function; Has not been previously published as pathogenic or benign to our knowledge